The following is an entry in ClinVar:

NM_007294.4(BRCA1):c.117T>C (p.Cys39=)

Gene: BRCA1 (BRCA1 DNA repair associated; minus strand). Cytogenetic location: 17q21.31.
Variant type: single nucleotide variant.
Coding change: c.117T>C on transcript NM_007294.4 (MANE Select); coding-DNA position 117, T replaced by C.
Protein change: p.Cys39=; no amino-acid change (cysteine 39 retained).
Molecular consequence: synonymous variant. On other transcripts: 5 prime UTR variant (132), intron variant (41).
Genome position (GRCh38, 1-based): chr17:43,115,743, A>G on the plus strand (T>C on the coding strand, the complement: BRCA1 is on the minus strand). VCF-style: chr17-43115743-A-G. GRCh37 (hg19) VCF-style: chr17-41267760-A-G.
Other names: c.117T>C, p.Cys39= (NM_001407970.1, NM_001407971.1, NM_001407972.1 and 192 more transcripts); c.-25T>C (NM_001408410.1, NM_001408452.1, NM_001408453.1 and 47 more transcripts); c.-141T>C (NM_001408455.1, NM_001408456.1, NM_001408468.1 and 13 more transcripts); c.-145T>C (NM_001408465.1, NM_001407695.1); c.-72T>C (NM_001408478.1, NM_001408479.1, NM_001408480.1 and 52 more transcripts); c.-188T>C (NM_001408492.1, NM_001407889.1, NM_001407900.1); c.-187T>C (NM_001408510.1, NM_001408512.1, NM_001407960.1 and 1 more transcripts); c.-219+9534T>C (NM_001407967.1); and 10 more.
Identifiers: ClinVar variation 867816 (VCV000867816.3), dbSNP rs886040898, ClinGen allele CA500130008.

Conditions:
Breast-ovarian cancer, familial, susceptibility to, 1 (BROVCA1). Also called: BRCA1 Hereditary Breast and Ovarian Cancer; OVARIAN CANCER, SUSCEPTIBILITY TO. Identifiers: Orphanet 145, MedGen C2676676, MONDO:0011450, OMIM 604370. Disease mechanism: loss of function.

Submission:

Brotman Baty Institute, University of Washington
No classification provided (evidence only). Condition: Breast-ovarian cancer, familial 1. Review status: no classification provided. Collection method: in vitro. Allele origin: not applicable. Functional consequence: functionally_normal.
ClinVar note: "not provided" was previously submitted as the classification for the variant. However, the classification appeared to be based only on an observation of functional data so it was converted to no classification on 2025-07-30.